The following is an entry in ClinVar:

ClinVar aggregate classification (germline): Uncertain significance (1 of 4 stars; one submission).

Conditions:
Cardiomyopathy (CMYO). Also called: Cardiomyopathies. Identifiers: Orphanet 167848, MedGen C0878544, MONDO:0004994, HP:0001638. Inheritance: Various modes of inheritance.

Allele frequency attached by ClinVar (database versions not stated): gnomAD exomes below 0.00001; TOPMed below 0.00001; ExAC 0.00001; gnomAD 0.00001.
gnomAD v4.1: 2 of 1,614,074 alleles (0.00012%); highest among the groups gnomAD compares: Non-Finnish European, 0.00017%; no homozygotes.

Submission:

Color Diagnostics, LLC DBA Color Health
Classification: Uncertain significance for Cardiomyopathy. Last evaluated: 2023-10-26. Review status: criteria provided, single submitter. Criteria: ACMG Guidelines, 2015. Collection method: clinical testing. Allele origin: germline.
Comment: This missense variant replaces glycine with glutamic acid at codon 2016 of the DSP protein. Computational prediction suggests that this variant may not impact protein structure and function (internally defined REVEL score threshold <= 0.5, PMID: 27666373). To our knowledge, functional studies have not been reported for this variant. This variant has not been reported in individuals affected with DSP-related disorders in the literature. This variant has been identified in 1/250860 chromosomes in the general population by the Genome Aggregation Database (gnomAD). The available evidence is insufficient to determine the role of this variant in disease conclusively. Therefore, this variant is classified as a Variant of Uncertain Significance.

NM_004415.4(DSP):c.6047G>A (p.Gly2016Glu)

Gene: DSP (desmoplakin; plus strand). Cytogenetic location: 6p24.3.
Variant type: single nucleotide variant.
Coding change: c.6047G>A on transcript NM_004415.4 (MANE Select); coding-DNA position 6047, G replaced by A.
Protein change: p.Gly2016Glu; replaces glycine 2016 with glutamic acid.
Molecular consequence: missense variant.
Genome position (GRCh38, 1-based): chr6:7,583,309, G>A. VCF-style: chr6-7583309-G-A. GRCh37 (hg19) VCF-style: chr6-7583542-G-A.
Other names: c.4250G>A, p.Gly1417Glu (NM_001008844.3); c.4718G>A, p.Gly1573Glu (NM_001319034.2); short protein forms G1417E, G1573E, G2016E.
Identifiers: ClinVar variation 2775334 (VCV002775334.2), dbSNP rs771165835, ClinGen allele CA046697.